The following is an entry in ClinVar:

ClinVar aggregate classification (germline): Uncertain significance (1 of 4 stars; one submission).

Submission:

GeneDx
Classification: Uncertain significance. Last evaluated: 2025-08-01. Review status: criteria provided, single submitter. Criteria: GeneDx Variant Classification Process June 2021. Collection method: clinical testing. Allele origin: germline. Affected: yes.
Comment: Not observed at significant frequency in large population cohorts (gnomAD); In silico analysis suggests that this missense variant does not alter protein structure/function; Has not been previously published as pathogenic or benign to our knowledge

NM_003321.5(TUFM):c.745T>C (p.Tyr249His)

Gene: TUFM (Tu translation elongation factor, mitochondrial; minus strand). Cytogenetic location: 16p11.2.
Variant type: single nucleotide variant.
Coding change: c.745T>C on transcript NM_003321.5 (MANE Select); coding-DNA position 745, T replaced by C.
Protein change: p.Tyr249His; replaces tyrosine 249 with histidine.
Molecular consequence: missense variant.
Genome position (GRCh38, 1-based): chr16:28,844,491, A>G on the plus strand (T>C on the coding strand, the complement: TUFM is on the minus strand). VCF-style: chr16-28844491-A-G. GRCh37 (hg19) VCF-style: chr16-28855812-A-G.
Other names: c.745T>C, p.Tyr249His (NM_001365360.2); short protein forms Y249H.
Identifiers: ClinVar variation 4689935 (VCV004689935.1).